The following is an entry in ClinVar:

NM_000138.5(FBN1):c.5423-18G>T

Gene: FBN1 (fibrillin 1; minus strand). Cytogenetic location: 15q21.1.
Variant type: single nucleotide variant.
Coding change: c.5423-18G>T on transcript NM_000138.5 (MANE Select); 18 bases into the intron before coding-DNA position 5423, G replaced by T.
Molecular consequence: intron variant.
Genome position (GRCh38, 1-based): chr15:48,452,702, C>A on the plus strand (G>T on the coding strand, the complement: FBN1 is on the minus strand). VCF-style: chr15-48452702-C-A. GRCh37 (hg19) VCF-style: chr15-48744899-C-A.
Other names: c.5423-18G>T (NM_001406716.1).
Identifiers: ClinVar variation 2927149 (VCV002927149.3), dbSNP rs1057521048, ClinGen allele CA713398815.

ClinVar aggregate classification (germline): Uncertain significance (1 of 4 stars; one submission).

Conditions:
Marfan syndrome (MFS). Also called: MARFAN SYNDROME, TYPE I; Marfan syndrome type 1; Marfan's syndrome; Marfan syndrome, classic; FBN1-Related Marfan Syndrome. Identifiers: Orphanet 284963, Orphanet 558, MedGen C0024796, MONDO:0007947, OMIM 154700.
Familial thoracic aortic aneurysm and aortic dissection (TAAD). Also called: Thoracic aortic aneurysms and dissections. Identifiers: Orphanet 91387, MedGen C4707243, MONDO:0019625.

Allele frequency attached by ClinVar (database versions not stated): gnomAD 0.00001; TOPMed 0.00001.
gnomAD v4.1: 4 of 1,613,632 alleles (0.00025%); highest among the groups gnomAD compares: Non-Finnish European, 0.000085%; no homozygotes.

Submission:

Labcorp Genetics (formerly Invitae), Labcorp
Classification: Uncertain significance for Marfan syndrome; Familial thoracic aortic aneurysm and aortic dissection. Last evaluated: 2023-01-26. Review status: criteria provided, single submitter. Criteria: Invitae Variant Classification Sherloc (09022015). Collection method: clinical testing. Allele origin: germline.
Comment: This sequence change falls in intron 44 of the FBN1 gene. It does not directly change the encoded amino acid sequence of the FBN1 protein. This variant is not present in population databases (gnomAD no frequency). In summary, the available evidence is currently insufficient to determine the role of this variant in disease. Therefore, it has been classified as a Variant of Uncertain Significance. Algorithms developed to predict the effect of sequence changes on RNA splicing suggest that this variant may disrupt the consensus splice site. This variant has not been reported in the literature in individuals affected with FBN1-related conditions.